The following is an entry in ClinVar:

NM_000414.4(HSD17B4):c.1261+5G>C

Gene: HSD17B4 (hydroxysteroid 17-beta dehydrogenase 4; plus strand). Cytogenetic location: 5q23.1.
Variant type: single nucleotide variant.
Coding change: c.1261+5G>C on transcript NM_000414.4 (MANE Select); 5 bases into the intron after coding-DNA position 1261, G replaced by C.
Molecular consequence: intron variant.
Genome position (GRCh38, 1-based): chr5:119,502,097, G>C. VCF-style: chr5-119502097-G-C. GRCh37 (hg19) VCF-style: chr5-118837792-G-C.
Other names: c.850+5G>C (NM_001374503.1, NM_001374502.1, NM_001374501.1); c.1336+5G>C (NM_001199291.3); c.934+5G>C (NM_001374499.1); c.820+5G>C (NM_001374500.1); c.841+5G>C (NM_001292028.2); c.1189+5G>C (NM_001292027.2); c.1261+5G>C (NM_001374498.1); c.1252+5G>C (NM_001374497.1); and 1 more.
Identifiers: ClinVar variation 4069554 (VCV004069554.3).

ClinVar aggregate classification (germline): Uncertain significance. Review status: criteria provided, multiple submitters, no conflicts (2 of 4 stars). 3 submissions from 3 submitters: Uncertain significance (2). 1 of the submissions does not count toward it. Last evaluated 2026-05-14.

Conditions:
Bifunctional peroxisomal enzyme deficiency (DBIF). Also called: DBP DEFICIENCY; PBFE DEFICIENCY; D-bifunctional protein deficiency. Identifiers: Orphanet 300, MedGen C0342870, MONDO:0009855, OMIM 261515. Disease mechanism: loss of function.

gnomAD v4.1: 1 of 1,544,498 alleles (0.000065%); highest among the groups gnomAD compares: Non-Finnish European, 0.00009%; no homozygotes.

Submissions (3):

Myriad Genetics, Inc.
Classification: Uncertain significance for Bifunctional peroxisomal enzyme deficiency. Last evaluated: 2026-05-14. Review status: criteria provided, single submitter. Criteria: Myriad Autosomal Dominant, Autosomal Recessive and X-Linked Classification Criteria (2023). Collection method: clinical testing. Allele origin: unknown.
Comment: NM_000414.3(HSD17B4):c.1261+5G>C is an intronic variant classified as a variant of uncertain significance in the context of HSD17B4-related disorders. c.1261+5G>C has been observed in a case with relevant disease (PMID: 41367148). Relevant functional assessments of this variant are not available in the literature. c.1261+5G>C has been observed in referenced population frequency databases. In summary, there is insufficient evidence to classify NM_000414.3(HSD17B4):c.1261+5G>C as pathogenic or benign. Please note: this variant was assessed in the context of healthy population screening.

Women's Health and Genetics/Laboratory Corporation of America, LabCorp
Classification: Uncertain significance. Last evaluated: 2026-01-19. Review status: criteria provided, single submitter. Criteria: LabCorp Variant Classification Summary - May 2015. Collection method: clinical testing. Allele origin: germline.
Comment: Variant summary: HSD17B4 c.1261+5G>C alters a conserved nucleotide located close to a canonical splice site and therefore could affect mRNA splicing, leading to a significantly altered protein sequence. Several computational tools predict a significant impact on normal splicing: Three predict the variant weakens a 5' donor site. However, these predictions have yet to be confirmed by functional studies. The variant allele was found at a frequency of 4e-06 in 250776 control chromosomes. The available data on variant occurrences in the general population are insufficient to allow any conclusion about variant significance. To our knowledge, no occurrence of c.1261+5G>C in individuals affected with HSD17B4-related conditions and no experimental evidence demonstrating its impact on protein function have been reported. ClinVar contains an entry for this variant (Variation ID: 4069554). Based on the evidence outlined above, the variant was classified as uncertain significance.

Natera, Inc.
Classification: Uncertain significance for Bifunctional peroxisomal enzyme deficiency. Last evaluated: 2025-01-08. Review status: no assertion criteria provided. Collection method: clinical testing. Allele origin: germline. Not counted in ClinVar's aggregate classification.

Literature cited by the submitters: PubMed 41367148 (cited by Myriad Genetics, Inc.).